The following is an entry in ClinVar:

NM_000528.4(MAN2B1):c.2960C>T (p.Pro987Leu)

Gene: MAN2B1 (mannosidase alpha class 2B member 1; minus strand). Cytogenetic location: 19p13.13.
Variant type: single nucleotide variant.
Coding change: c.2960C>T on transcript NM_000528.4 (MANE Select); coding-DNA position 2960, C replaced by T.
Protein change: p.Pro987Leu; replaces proline 987 with leucine.
Molecular consequence: missense variant.
Genome position (GRCh38, 1-based): chr19:12,646,696, G>A on the plus strand (C>T on the coding strand, the complement: MAN2B1 is on the minus strand). VCF-style: chr19-12646696-G-A. GRCh37 (hg19) VCF-style: chr19-12757510-G-A.
Other names: c.2957C>T, p.Pro986Leu (NM_001173498.2); c.2960C>T (NM_000528.3); short protein forms P987L, P986L.
Identifiers: ClinVar variation 1345893 (VCV001345893.4), dbSNP rs373174565, ClinGen allele CA9225852.

ClinVar aggregate classification (germline): Uncertain significance. Review status: criteria provided, multiple submitters, no conflicts (2 of 4 stars). 2 submissions from 2 submitters: Uncertain significance (2). Last evaluated 2025-10-02.

Conditions:
Deficiency of alpha-mannosidase (MANSA). Also called: LYSOSOMAL ALPHA-D-MANNOSIDASE DEFICIENCY; Alpha-Mannosidosis; Mannosidosis, alpha-, types I and II. Identifiers: Orphanet 61, MedGen C0024748, MONDO:0009561, OMIM 248500.
Inborn genetic diseases. Identifiers: MedGen C0950123, MeSH D030342.

Allele frequency attached by ClinVar (database versions not stated): TOPMed below 0.00001; gnomAD 0.00001; gnomAD exomes 0.00001 and 0.00002; ExAC 0.00003; ESP Exome Variant Server 0.00008.
gnomAD v4.1: 20 of 1,613,950 alleles (0.0012%); highest among the groups gnomAD compares: Non-Finnish European, 0.0016%; no homozygotes.

Submissions (2):

Ambry Genetics
Classification: Uncertain significance for Inborn genetic diseases. Last evaluated: 2025-10-02. Review status: criteria provided, single submitter. Criteria: Ambry Variant Classification Scheme 2023. Collection method: clinical testing. Allele origin: germline.

Labcorp Genetics (formerly Invitae), Labcorp
Classification: Uncertain significance for Deficiency of alpha-mannosidase. Last evaluated: 2022-06-28. Review status: criteria provided, single submitter. Criteria: Invitae Variant Classification Sherloc (09022015). Collection method: clinical testing. Allele origin: germline.
Comment: This sequence change replaces proline, which is neutral and non-polar, with leucine, which is neutral and non-polar, at codon 987 of the MAN2B1 protein (p.Pro987Leu). This variant is present in population databases (rs373174565, gnomAD 0.004%). This variant has not been reported in the literature in individuals affected with MAN2B1-related conditions. Algorithms developed to predict the effect of missense changes on protein structure and function are either unavailable or do not agree on the potential impact of this missense change (SIFT: "Deleterious"; PolyPhen-2: "Benign"; Align-GVGD: "Class C0"). In summary, the available evidence is currently insufficient to determine the role of this variant in disease. Therefore, it has been classified as a Variant of Uncertain Significance.